The following is an entry in ClinVar:

ClinVar aggregate classification (germline): Uncertain significance. Review status: criteria provided, single submitter (1 of 4 stars). 2 submissions from 2 submitters: Uncertain significance (1). 1 of the submissions does not count toward it. Last evaluated 2022-09-15.

Conditions:
MYH3-related disorder. Also called: MYH3-Related Disorders; MYH3-related condition. Identifiers: MedGen CN239329.

Allele frequency attached by ClinVar (database versions not stated): ExAC 0.00001; gnomAD 0.00001; ESP Exome Variant Server 0.00015.
gnomAD v4.1: 3 of 1,613,958 alleles (0.00019%); highest among the groups gnomAD compares: African/African-American, 0.0013%; no homozygotes.

Submissions (2):

Labcorp Genetics (formerly Invitae), Labcorp
Classification: Uncertain significance. Last evaluated: 2022-09-15. Review status: criteria provided, single submitter. Criteria: Invitae Variant Classification Sherloc (09022015). Collection method: clinical testing. Allele origin: germline.
Comment: Algorithms developed to predict the effect of sequence changes on RNA splicing suggest that this variant may disrupt the consensus splice site. ClinVar contains an entry for this variant (Variation ID: 1255529). This variant has not been reported in the literature in individuals affected with MYH3-related conditions. In summary, the available evidence is currently insufficient to determine the role of this variant in disease. Therefore, it has been classified as a Variant of Uncertain Significance. This sequence change falls in intron 31 of the MYH3 gene. It does not directly change the encoded amino acid sequence of the MYH3 protein. This variant is present in population databases (rs374066994, gnomAD 0.004%).

Beijing Key Laboratory for Genetic Research of Skeletal Deformity, Peking Union Medical College Hospital
Classification: Likely pathogenic for MYH3-related disorders. Last evaluated: 2021-01-01. Review status: no assertion criteria provided. Collection method: research. Allele origin: inherited. Affected: yes. Not counted in ClinVar's aggregate classification.

NM_002470.4(MYH3):c.4357-10G>A

Genes: MYH3 (myosin heavy chain 3; minus strand), LOC130060295 (ATAC-STARR-seq lymphoblastoid active region 11731; plus strand). Cytogenetic location: 17p13.1.
Variant type: single nucleotide variant.
Coding change: c.4357-10G>A on transcript NM_002470.4 (MANE Select); 10 bases into the intron before coding-DNA position 4357, G replaced by A.
Molecular consequence: intron variant.
Genome position (GRCh38, 1-based): chr17:10,634,192, C>T on the plus strand (G>A on the coding strand, the complement: MYH3 is on the minus strand). VCF-style: chr17-10634192-C-T. GRCh37 (hg19) VCF-style: chr17-10537509-C-T.
Identifiers: ClinVar variation 1255529 (VCV001255529.6), dbSNP rs374066994, ClinGen allele CA8392247.